The following is an entry in ClinVar:

ClinVar aggregate classification (germline): Uncertain significance (1 of 4 stars; one submission).

Submission:

Mayo Clinic Laboratories, Mayo Clinic
Classification: Uncertain significance. Last evaluated: 2025-02-26. Review status: criteria provided, single submitter. Criteria: ACMG Guidelines, 2015. Collection method: clinical testing. Allele origin: germline. Observed: 1 variant allele.
Comment: PM2_supporting

NM_198578.4(LRRK2):c.2716_2720delinsT (p.Lys906fs)

Gene: LRRK2 (leucine rich repeat kinase 2; plus strand). Cytogenetic location: 12q12.
Variant type: Indel.
Coding change: c.2716_2720delinsT on transcript NM_198578.4 (MANE Select); coding-DNA positions 2716 to 2720, AAGAA replaced by T.
Protein change: p.Lys906fs; shifts the reading frame from lysine 906.
Molecular consequence: frameshift variant.
Genome position (GRCh38, 1-based): chr12:40,293,571-40,293,575, AAGAA replaced by T. VCF-style: chr12-40293571-AAGAA-T. GRCh37 (hg19) VCF-style: chr12-40687373-AAGAA-T.
Other names: p.Lys906Tyrfs*7; short protein forms K906fs.
Identifiers: ClinVar variation 4541708 (VCV004541708.1).